The following is an entry in ClinVar:

NM_001614.5(ACTG1):c.-6-14C>T

Gene: ACTG1 (actin gamma 1; minus strand). Cytogenetic location: 17q25.3.
Variant type: single nucleotide variant.
Coding change: c.-6-14C>T on transcript NM_001614.5 (MANE Select); 14 bases into the intron before 6 bases upstream of the start codon, C replaced by T.
Molecular consequence: intron variant.
Genome position (GRCh38, 1-based): chr17:81,512,374, G>A on the plus strand (C>T on the coding strand, the complement: ACTG1 is on the minus strand). VCF-style: chr17-81512374-G-A. GRCh37 (hg19) VCF-style: chr17-79479400-G-A.
Other names: c.-6-14C>T (NM_001199954.3).
Identifiers: ClinVar variation 516632 (VCV000516632.2), dbSNP rs188773798, ClinGen allele CA8836444.
Genomic context (GRCh38, chr17:81,512,374, plus strand): 5'-GAGCCATTGTCAATGACCAGCGCGGCGATCTCTTCTTCCATTGCGACCTGCCCGGAAAAG[G>A]ATGGACTCAGGCGGGCGCGTCTGTAACACGGTCCCCTCCCCACAGCCACCTAATGCCCTC-3'

ClinVar aggregate classification (germline): Benign/Likely benign. Review status: criteria provided, multiple submitters, no conflicts (2 of 4 stars). 2 submissions from 2 submitters: Benign (1); Likely benign (1). Last evaluated 2024-10-10.

Allele frequency attached by ClinVar (database versions not stated): 1000 Genomes Project 0.00200; 1000 Genomes Project 30x 0.00219; TOPMed 0.00221; ESP Exome Variant Server 0.00308.

Submissions (2):

Blueprint Genetics
Classification: Likely benign. Last evaluated: 2024-10-10. Review status: criteria provided, single submitter. Criteria: ACMG Guidelines, 2015. Collection method: clinical testing. Allele origin: germline.

GeneDx
Classification: Benign. Last evaluated: 2017-04-24. Review status: criteria provided, single submitter. Criteria: GeneDx Variant Classification (06012015). Collection method: clinical testing. Allele origin: germline. Affected: yes.
Comment: This variant is considered likely benign or benign based on one or more of the following criteria: it is a conservative change, it occurs at a poorly conserved position in the protein, it is predicted to be benign by multiple in silico algorithms, and/or has population frequency not consistent with disease.